The following is an entry in ClinVar:

NM_005862.3(STAG1):c.3220T>C (p.Ser1074Pro)

Gene: STAG1 (STAG1 cohesin complex component; minus strand). Cytogenetic location: 3q22.3.
Variant type: single nucleotide variant.
Coding change: c.3220T>C on transcript NM_005862.3 (MANE Select); coding-DNA position 3220, T replaced by C.
Protein change: p.Ser1074Pro; replaces serine 1074 with proline.
Molecular consequence: missense variant.
Genome position (GRCh38, 1-based): chr3:136,349,209, A>G on the plus strand (T>C on the coding strand, the complement: STAG1 is on the minus strand). VCF-style: chr3-136349209-A-G. GRCh37 (hg19) VCF-style: chr3-136068051-A-G.
Other names: short protein forms S1074P.
Identifiers: ClinVar variation 3361241 (VCV003361241.1).

ClinVar aggregate classification (germline): Uncertain significance (1 of 4 stars; one submission).

Submission:

GeneDx
Classification: Uncertain significance. Last evaluated: 2023-07-17. Review status: criteria provided, single submitter. Criteria: GeneDx Variant Classification Process June 2021. Collection method: clinical testing. Allele origin: germline. Affected: yes.
Comment: Not observed at significant frequency in large population cohorts (gnomAD); In silico analysis supports that this missense variant does not alter protein structure/function; Has not been previously published as pathogenic or benign to our knowledge